The following is an entry in ClinVar:

NM_015978.3(TNNI3K):c.1450A>T (p.Asn484Tyr)

Genes: FPGT-TNNI3K (FPGT-TNNI3K readthrough; plus strand), TNNI3K (TNNI3 interacting kinase; plus strand). Cytogenetic location: 1p31.1.
Variant type: single nucleotide variant.
Coding change: c.1450A>T on transcript NM_015978.3 (MANE Select); coding-DNA position 1450, A replaced by T.
Protein change: p.Asn484Tyr; replaces asparagine 484 with tyrosine.
Molecular consequence: missense variant.
Genome position (GRCh38, 1-based): chr1:74,369,242, A>T. VCF-style: chr1-74369242-A-T. GRCh37 (hg19) VCF-style: chr1-74834926-A-T.
Other names: c.1753A>T, p.Asn585Tyr (NM_001112808.3, NM_001199327.2); short protein forms N585Y, N484Y.
Identifiers: ClinVar variation 1484993 (VCV001484993.8), dbSNP rs756024675, ClinGen allele CA909290.

ClinVar aggregate classification (germline): Uncertain significance (1 of 4 stars; one submission).

Allele frequency attached by ClinVar (database versions not stated): gnomAD exomes 0.00001 and 0.00003; ExAC 0.00003.
gnomAD v4.1: 19 of 1,612,134 alleles (0.0012%); highest among the groups gnomAD compares: South Asian, 0.021%; 1 homozygote.

Submission:

Labcorp Genetics (formerly Invitae), Labcorp
Classification: Uncertain significance. Last evaluated: 2023-12-06. Review status: criteria provided, single submitter. Criteria: Invitae Variant Classification Sherloc (09022015). Collection method: clinical testing. Allele origin: germline.
Comment: This sequence change replaces asparagine, which is neutral and polar, with tyrosine, which is neutral and polar, at codon 484 of the TNNI3K protein (p.Asn484Tyr). This variant is present in population databases (rs756024675, gnomAD 0.02%). This variant has not been reported in the literature in individuals affected with TNNI3K-related conditions. ClinVar contains an entry for this variant (Variation ID: 1484993). Advanced modeling of protein sequence and biophysical properties (such as structural, functional, and spatial information, amino acid conservation, physicochemical variation, residue mobility, and thermodynamic stability) performed at Invitae indicates that this missense variant is not expected to disrupt TNNI3K protein function with a negative predictive value of 80%. In summary, the available evidence is currently insufficient to determine the role of this variant in disease. Therefore, it has been classified as a Variant of Uncertain Significance.